The following is an entry in ClinVar:

NM_001035.3(RYR2):c.7550A>G (p.Asn2517Ser)

Gene: RYR2 (ryanodine receptor 2; plus strand). Cytogenetic location: 1q43.
Variant type: single nucleotide variant.
Coding change: c.7550A>G on transcript NM_001035.3 (MANE Select); coding-DNA position 7550, A replaced by G.
Protein change: p.Asn2517Ser; replaces asparagine 2517 with serine.
Molecular consequence: missense variant.
Genome position (GRCh38, 1-based): chr1:237,649,914, A>G. VCF-style: chr1-237649914-A-G. GRCh37 (hg19) VCF-style: chr1-237813214-A-G.
Other names: c.7550A>G, p.Asn2517Ser (LRG_402t1); short protein forms N2517S.
Identifiers: ClinVar variation 463637 (VCV000463637.21), dbSNP rs1314129285, ClinGen allele CA345399058.

ClinVar aggregate classification (germline): Uncertain significance. Review status: criteria provided, multiple submitters, no conflicts (2 of 4 stars). 6 submissions from 6 submitters: Uncertain significance (6). Last evaluated 2026-09-21.

Conditions:
Catecholaminergic polymorphic ventricular tachycardia (CVPT). Also called: Catecholamine-induced polymorphic ventricular tachycardia. Identifiers: Orphanet 3286, MedGen C5574922, MONDO:0017990.
Catecholaminergic polymorphic ventricular tachycardia 1. Also called: RYR2-Related Catecholaminergic Polymorphic Ventricular Tachycardia; VENTRICULAR TACHYCARDIA, STRESS-INDUCED POLYMORPHIC 1; VENTRICULAR TACHYCARDIA, CATECHOLAMINERGIC POLYMORPHIC, 1, WITH OR WITHOUT ATRIAL DYSFUNCTION AND/OR DILATED CARDIOMYOPATHY. Identifiers: Orphanet 3286, MedGen C1631597, MONDO:0011484, OMIM 604772.
Cardiovascular phenotype. Identifiers: MedGen CN230736.
Cardiomyopathy (CMYO). Also called: Cardiomyopathies. Identifiers: Orphanet 167848, MedGen C0878544, MONDO:0004994, HP:0001638. Inheritance: Various modes of inheritance.

Allele frequency attached by ClinVar (database versions not stated): TOPMed 0.00001; gnomAD 0.00001.
gnomAD v4.1: 16 of 1,613,818 alleles (0.00099%); highest among the groups gnomAD compares: Middle Eastern, 0.016%; no homozygotes.

Submissions (6):

Molecular Diagnostic Laboratory for Inherited Cardiovascular Disease, Montreal Heart Institute
Classification: Uncertain significance for Cardiovascular phenotype. Last evaluated: 2026-09-21. Review status: criteria provided, single submitter. Criteria: ACMG Guidelines, 2015. Collection method: clinical testing. Allele origin: germline. Affected: yes.
Comment: PM1, PM2, PP2

GeneDx
Classification: Uncertain significance. Last evaluated: 2025-11-29. Review status: criteria provided, single submitter. Criteria: GeneDx Variant Classification Process June 2021. Collection method: clinical testing. Allele origin: germline.
Comment: Has not been previously published as pathogenic or benign to our knowledge; Not observed at significant frequency in large population cohorts (gnomAD); Located in one of the three hot-spot regions of the RYR2 gene, where the majority of pathogenic missense variants occur (PMID: 19926015); In silico analysis supports that this missense variant has a deleterious effect on protein structure/function; This variant is associated with the following publications: (PMID: 19926015)

Labcorp Genetics (formerly Invitae), Labcorp
Classification: Uncertain significance for Catecholaminergic polymorphic ventricular tachycardia 1. Last evaluated: 2025-11-20. Review status: criteria provided, single submitter. Criteria: Invitae Variant Classification Sherloc (09022015). Collection method: clinical testing. Allele origin: germline.
Comment: This sequence change replaces asparagine, which is neutral and polar, with serine, which is neutral and polar, at codon 2517 of the RYR2 protein (p.Asn2517Ser). This variant is not present in population databases (gnomAD no frequency). This variant has not been reported in the literature in individuals affected with RYR2-related conditions. ClinVar contains an entry for this variant (Variation ID: 463637). Invitae Evidence Modeling of protein sequence and biophysical properties (such as structural, functional, and spatial information, amino acid conservation, physicochemical variation, residue mobility, and thermodynamic stability) indicates that this missense variant is expected to disrupt RYR2 protein function with a positive predictive value of 95%. In summary, the available evidence is currently insufficient to determine the role of this variant in disease. Therefore, it has been classified as a Variant of Uncertain Significance.

Ambry Genetics
Classification: Uncertain significance for Cardiovascular phenotype. Last evaluated: 2025-07-08. Review status: criteria provided, single submitter. Criteria: Ambry Variant Classification Scheme 2023. Collection method: clinical testing. Allele origin: germline.
Comment: The p.N2517S variant (also known as c.7550A>G), located in coding exon 50 of the RYR2 gene, results from an A to G substitution at nucleotide position 7550. The asparagine at codon 2517 is replaced by serine, an amino acid with highly similar properties. This amino acid position is highly conserved in available vertebrate species. In addition, the in silico prediction for this alteration is inconclusive. Since supporting evidence is limited at this time, the clinical significance of this alteration remains unclear.

All of Us Research Program, National Institutes of Health
Classification: Uncertain significance for Catecholaminergic polymorphic ventricular tachycardia. Last evaluated: 2024-04-16. Review status: criteria provided, single submitter. Criteria: ACMG Guidelines, 2015. Collection method: clinical testing. Allele origin: germline. Inheritance: Autosomal dominant inheritance. Observed: 3 variant alleles, 3 heterozygotes.
Comment: This missense variant replaces asparagine with serine at codon 2517 of the RYR2 protein. Computational prediction suggests that this variant may have deleterious impact on protein structure and function (internally defined REVEL score threshold >= 0.7, PMID: 27666373). To our knowledge, functional studies have not been reported for this variant. This variant has not been reported in individuals affected with RYR2-related disorders in the literature. This variant has not been identified in the general population by the Genome Aggregation Database (gnomAD). The available evidence is insufficient to determine the role of this variant in disease conclusively. Therefore, this variant is classified as a Variant of Uncertain Significance.

This study involves interpretation of variants in research participants for the purpose of population health screening. Participant phenotype was not available at the time of variant classification. Additional details can be found in publication PMID: 35346344, PMCID: PMC8962531

Color Diagnostics, LLC DBA Color Health
Classification: Uncertain significance for Cardiomyopathy. Last evaluated: 2024-03-19. Review status: criteria provided, single submitter. Criteria: ACMG Guidelines, 2015. Collection method: clinical testing. Allele origin: germline.
Comment: This missense variant replaces asparagine with serine at codon 2517 of the RYR2 protein. Computational prediction suggests that this variant may have deleterious impact on protein structure and function. To our knowledge, functional studies have not been reported for this variant. This variant has not been reported in individuals affected with RYR2-related disorders in the literature. This variant has not been identified in the general population by the Genome Aggregation Database (gnomAD). The available evidence is insufficient to determine the role of this variant in disease conclusively. Therefore, this variant is classified as a Variant of Uncertain Significance.